The following is an entry in ClinVar:

ClinVar aggregate classification (germline): Benign. Review status: criteria provided, multiple submitters, no conflicts (2 of 4 stars). 10 submissions from 10 submitters: Benign (8). 2 of the submissions do not count toward it. Last evaluated 2026-05-11.

Conditions:
Factor XIII, b subunit, deficiency of. Also called: Factor XIII subunit B deficiency. Identifiers: Orphanet 331, MedGen C2750481, MONDO:0013190, OMIM 613235, HP:0040234.

Allele frequency attached by ClinVar (database versions not stated): ESP Exome Variant Server 0.75615; TOPMed 0.76656; 1000 Genomes Project 30x 0.77092; gnomAD 0.77286 and 0.78349; 1000 Genomes Project 0.78375; ExAC 0.88051; gnomAD exomes 0.89038 and 0.89616.
gnomAD v4.1: 1,287,496 of 1,456,352 alleles (88%); highest among the groups gnomAD compares: East Asian, 100%; 577,146 homozygotes.

Submissions (10):

Women's Health and Genetics/Laboratory Corporation of America, LabCorp
Classification: Benign. Last evaluated: 2026-05-11. Review status: criteria provided, single submitter. Criteria: LabCorp Variant Classification Summary - May 2015. Collection method: clinical testing. Allele origin: germline.

Blueprint Genetics
Classification: Benign. Last evaluated: 2024-11-26. Review status: criteria provided, single submitter. Criteria: ACMG Guidelines, 2015. Collection method: clinical testing. Allele origin: germline.

Genome-Nilou Lab
Classification: Benign for Factor XIII, b subunit, deficiency of. Last evaluated: 2021-08-10. Review status: criteria provided, single submitter. Criteria: ACMG Guidelines, 2015. Collection method: clinical testing. Allele origin: germline. Affected: no.

GeneDx
Classification: Benign. Last evaluated: 2018-11-10. Review status: criteria provided, single submitter. Criteria: GeneDx Variant Classification Process June 2021. Collection method: clinical testing. Allele origin: germline. Affected: yes.

Illumina Laboratory Services, Illumina
Classification: Benign for Factor XIII, b subunit, deficiency of. Last evaluated: 2018-01-13. Review status: criteria provided, single submitter. Criteria: ICSL Variant Classification Criteria 13 December 2019. Collection method: clinical testing. Allele origin: germline.
Comment: This variant was observed in the ICSL laboratory as part of a predisposition screen in an ostensibly healthy population. It had not been previously curated by ICSL or reported in the Human Gene Mutation Database (HGMD: prior to June 1st, 2018), and was therefore a candidate for classification through an automated scoring system. Utilizing variant allele frequency, disease prevalence and penetrance estimates, and inheritance mode, an automated score was calculated to assess if this variant is too frequent to cause the disease. Based on the score and internal cut-off values, a variant classified as benign is not then subjected to further curation. The score for this variant resulted in a classification of benign for this disease.

Mayo Clinic Laboratories, Mayo Clinic
Classification: Benign. Last evaluated: 2016-05-26. Review status: criteria provided, single submitter. Criteria: ACMG Guidelines, 2015. Collection method: clinical testing. Allele origin: germline. Observed: 210 variant alleles.

Breakthrough Genomics
Classification: Benign. Review status: criteria provided, single submitter. Criteria: ACMG Guidelines, 2015. Collection method: not provided. Allele origin: germline. Inheritance: Autosomal recessive inheritance. Affected: yes.

PreventionGenetics, part of Exact Sciences
Classification: Benign. Review status: criteria provided, single submitter. Criteria: ACMG Guidelines, 2015. Collection method: clinical testing. Allele origin: germline.

Diagnostic Laboratory, Department of Genetics, University Medical Center Groningen
Classification: Benign. Review status: no assertion criteria provided. Collection method: clinical testing. Allele origin: germline. Affected: yes. Study: VKGL Data-share Consensus. Not counted in ClinVar's aggregate classification.

Joint Genome Diagnostic Labs from Nijmegen and Maastricht, Radboudumc and MUMC+
Classification: Benign. Review status: no assertion criteria provided. Collection method: clinical testing. Allele origin: germline. Affected: yes. Study: VKGL Data-share Consensus. Not counted in ClinVar's aggregate classification.

NM_001994.3(F13B):c.456A>G (p.Thr152=)

Gene: F13B (coagulation factor XIII B chain; minus strand). Cytogenetic location: 1q31.3.
Variant type: single nucleotide variant.
Coding change: c.456A>G on transcript NM_001994.3 (MANE Select); coding-DNA position 456, A replaced by G.
Protein change: p.Thr152=; no amino-acid change (threonine 152 retained).
Molecular consequence: synonymous variant.
Genome position (GRCh38, 1-based): chr1:197,061,071, T>C on the plus strand (A>G on the coding strand, the complement: F13B is on the minus strand). VCF-style: chr1-197061071-T-C. GRCh37 (hg19) VCF-style: chr1-197030201-T-C.
Other names: p.Thr152=.
Identifiers: ClinVar variation 258505 (VCV000258505.18), dbSNP rs5997, ClinGen allele CA1308566.
Genomic context (GRCh38, chr1:197,061,071, plus strand): 5'-CACTTTGAATGTTTTCTGTGTTGTGGAATAATTTCCATTATATAATTCAGGAGCCAAACA[T>C]GTTTCTAAAATTATAAAAATTATTTATTTTATAAACTTTTTTAATAACCTAGATTATAAA-3'
Protein context (NP_001985.2, residues 142-162): SQPTCRKEHE[Thr152=]CLAPELYNGN